The following is an entry in ClinVar:

ClinVar aggregate classification (germline): Uncertain significance (1 of 4 stars; one submission).

Submission:

GeneDx
Classification: Uncertain significance. Last evaluated: 2024-01-17. Review status: criteria provided, single submitter. Criteria: GeneDx Variant Classification Process June 2021. Collection method: clinical testing. Allele origin: germline. Affected: yes.
Comment: Not observed at significant frequency in large population cohorts (gnomAD); In silico analysis supports that this missense variant does not alter protein structure/function; Has not been previously published as pathogenic or benign to our knowledge

NM_001903.5(CTNNA1):c.1732C>G (p.Leu578Val)

Gene: CTNNA1 (catenin alpha 1; plus strand). Cytogenetic location: 5q31.2.
Variant type: single nucleotide variant.
Coding change: c.1732C>G on transcript NM_001903.5 (MANE Select); coding-DNA position 1732, C replaced by G.
Protein change: p.Leu578Val; replaces leucine 578 with valine.
Molecular consequence: missense variant.
Genome position (GRCh38, 1-based): chr5:138,924,695, C>G. VCF-style: chr5-138924695-C-G. GRCh37 (hg19) VCF-style: chr5-138260384-C-G.
Other names: c.1732C>G, p.Leu578Val (NM_001290307.3, NM_001323982.2, NM_001323983.1 and 2 more transcripts); c.1423C>G, p.Leu475Val (NM_001290309.3); c.1363C>G, p.Leu455Val (NM_001290310.3); c.622C>G, p.Leu208Val (NM_001290312.1, NM_001323987.1, NM_001323988.1 and 17 more transcripts); c.1639C>G, p.Leu547Val (NM_001323986.2); c.283C>G, p.Leu95Val (NM_001324006.1, NM_001324007.1, NM_001324008.1 and 2 more transcripts); c.529C>G, p.Leu177Val (NM_001324011.1); c.379C>G, p.Leu127Val (NM_001324012.1, NM_001324013.1); short protein forms L127V, L177V, L208V, L455V, L475V, L547V, L578V, L95V.
Identifiers: ClinVar variation 3367971 (VCV003367971.1).